The following is an entry in ClinVar:

ClinVar aggregate classification (germline): Likely benign (0 of 4 stars; one submission).

Conditions:
ERMARD-related disorder. Also called: ERMARD-related condition.

Allele frequency attached by ClinVar (database versions not stated): TOPMed below 0.00001; ExAC 0.00001.
gnomAD v4.1: 9 of 1,614,220 alleles (0.00056%); highest among the groups gnomAD compares: South Asian, 0.0011%; no homozygotes.

Submission:

PreventionGenetics, part of Exact Sciences
Classification: Likely benign for ERMARD-related condition. Last evaluated: 2022-05-02. Review status: no assertion criteria provided. Collection method: clinical testing. Allele origin: germline.
Comment: This variant is classified as likely benign based on ACMG/AMP sequence variant interpretation guidelines (Richards et al. 2015 PMID: 25741868, with internal and published modifications).

NM_018341.3(ERMARD):c.1782C>T (p.Leu594=)

Gene: ERMARD (ER membrane associated RNA degradation; plus strand). Cytogenetic location: 6q27.
Variant type: single nucleotide variant.
Coding change: c.1782C>T on transcript NM_018341.3 (MANE Select); coding-DNA position 1782, C replaced by T.
Protein change: p.Leu594=; no amino-acid change (leucine 594 retained).
Molecular consequence: synonymous variant.
Genome position (GRCh38, 1-based): chr6:169,779,224, C>T. VCF-style: chr6-169779224-C-T. GRCh37 (hg19) VCF-style: chr6-170179320-C-T.
Other names: c.1641C>T, p.Leu547= (NM_001278531.2); c.1404C>T, p.Leu468= (NM_001278532.2); c.1563C>T, p.Leu521= (NM_001278533.2); c.1374C>T, p.Leu458= (NM_001410957.1).
Identifiers: ClinVar variation 3055072 (VCV003055072.2), dbSNP rs768520209, ClinGen allele CA4106427.